The following is an entry in ClinVar:

NM_006767.4(LZTR1):c.2348_2351del (p.Thr783fs)

Gene: LZTR1 (leucine zipper like post translational regulator 1; plus strand). Cytogenetic location: 22q11.21.
Variant type: Deletion.
Coding change: c.2348_2351del on transcript NM_006767.4 (MANE Select); coding-DNA positions 2348 to 2351, 4 bases deleted (CGCA; older notation c.2348_2351delCGCA).
Protein change: p.Thr783fs; shifts the reading frame from threonine 783.
Molecular consequence: frameshift variant.
Genome position (GRCh38, 1-based): chr22:20,996,908-20,996,911, CGCA deleted; deleting any 4 consecutive bases within chr22:20,996,907-20,996,911 gives the same sequence; the c. name uses the placement nearest the transcript's 3' end. VCF-style (leftmost placement, unchanged base first): chr22-20996906-AACGC-A. GRCh37 (hg19) VCF-style: chr22-21351195-AACGC-A.
Other names: c.2348_2351delCGCA (NM_006767.3); short protein forms T783fs.
Identifiers: ClinVar variation 101037 (VCV000101037.17), dbSNP rs587777179, ClinGen allele CA150703.

ClinVar aggregate classification (germline): Pathogenic/Likely pathogenic. Review status: criteria provided, multiple submitters, no conflicts (2 of 4 stars). 6 submissions from 6 submitters: Pathogenic (1); Likely pathogenic (4). 1 of the submissions does not count toward it. Last evaluated 2026-05-12.

Conditions:
Cardiovascular phenotype. Identifiers: MedGen CN230736.
Hereditary cancer-predisposing syndrome. Also called: Neoplastic Syndromes, Hereditary; Tumor predisposition; Hereditary Cancer Syndrome; Hereditary neoplastic syndrome. Identifiers: Orphanet 140162, MedGen C0027672, MeSH D009386, MONDO:0015356.
LZTR1-related disorder. Also called: LZTR1-related disorders; LZTR1-related condition.
Noonan syndrome 2 (NS2). Identifiers: Orphanet 648, MedGen C1854469, MONDO:0011531, OMIM 605275.
LZTR1-related schwannomatosis. Also called: Schwannomatosis 2; Schwannomatosis-2, susceptibility to. Identifiers: Orphanet 93921, MedGen C3810283, MONDO:0014299, OMIM 615670.

Submissions (6):

GeneDx
Classification: Likely pathogenic. Last evaluated: 2026-05-12. Review status: criteria provided, single submitter. Criteria: GeneDx Variant Classification Process June 2021. Collection method: clinical testing. Allele origin: germline.
Comment: Frameshift variant predicted to result in abnormal protein length as the last 58 amino acids are replaced with 4 different amino acids, and other similar variants have been reported in HGMD; Not observed at significant frequency in large population cohorts (gnomAD); This variant is associated with the following publications: (PMID: 39062695, 24362817)

PreventionGenetics, part of Exact Sciences
Classification: Likely pathogenic for LZTR1-related condition. Last evaluated: 2025-08-01. Review status: criteria provided, single submitter. Criteria: ACMG Guidelines, 2015. Collection method: clinical testing. Allele origin: germline.
Comment: The LZTR1 c.2348_2351delCGCA variant is predicted to result in a frameshift and premature protein termination (p.Thr783Argfs*5). This variant has been reported in an individual with clinical features of schwannomatosis (Piotrowski et al. 2014. PubMed ID: 24362817). This variant has not been reported in a large population database (gnomAD), indicating this variant is rare, and is interpreted as pathogenic/likely pathogenic in ClinVar (Variation ID: 101037). Frameshift variants in LZTR1 are expected to be pathogenic. This variant is interpreted as likely pathogenic for autosomal recessive Noonan syndrome and autosomal dominant susceptibility to schwannomatosis. However, this variant is interpreted as uncertain for autosomal dominant Noonan syndrome.

Labcorp Genetics (formerly Invitae), Labcorp
Classification: Likely pathogenic. Last evaluated: 2025-01-29. Review status: criteria provided, single submitter. Criteria: Invitae Variant Classification Sherloc (09022015). Collection method: clinical testing. Allele origin: germline.
Comment: This sequence change creates a premature translational stop signal (p.Thr783Argfs*5) in the LZTR1 gene. While this is not anticipated to result in nonsense mediated decay, it is expected to disrupt the last 58 amino acid(s) of the LZTR1 protein. This variant is not present in population databases (gnomAD no frequency). This premature translational stop signal has been observed in individual(s) with clinical features of schwannomatosis (PMID: 24362817). It has also been observed to segregate with disease in related individuals. ClinVar contains an entry for this variant (Variation ID: 101037). Algorithms developed to predict the effect of sequence changes on RNA splicing suggest that this variant may disrupt the consensus splice site. This variant disrupts a region of the LZTR1 protein in which other variant(s) (p.Ile821Thr, p.Cys792Gly, p.Asp819His) have been observed in individuals with LZTR1-related conditions (PMID: 29469822, 30732632, 31219622). This suggests that this is a clinically significant region of the protein, and that variants that disrupt it are likely to be disease-causing. In summary, the currently available evidence indicates that the variant is pathogenic, but additional data are needed to prove that conclusively. Therefore, this variant has been classified as Likely Pathogenic.

Ambry Genetics
Classification: Likely pathogenic for Cardiovascular phenotype; Hereditary cancer-predisposing syndrome. Last evaluated: 2024-11-21. Review status: criteria provided, single submitter. Criteria: Ambry Variant Classification Scheme 2023. Collection method: clinical testing. Allele origin: germline.
Comment: The c.2348_2351delCGCA variant, located in coding exon 20 of the LZTR1 gene, results from a deletion of 4 nucleotides at nucleotide positions 2348 to 2351, causing a translational frameshift with a predicted alternate stop codon (p.T783Rfs*5). This alteration occurs at the 3' terminus of the LZTR1 gene, is not expected to trigger nonsense-mediated mRNAdecay, and only impacts the last 58 amino acids of the protein. However, premature stop codons are typically deleterious in nature, the impacted region is critical for protein function, and a significant portion of the protein is affected (Ambry internal data). This variant is considered to be rare based on population cohorts in the Genome Aggregation Database (gnomAD). Based on the supporting evidence, this variant is likely pathogenic for an increased risk of LZTR1-related schwannomatosis (SWN) and would be expected to cause autosomal recessive Noonan syndrome when present along with a second pathogenic or likely pathogenic variant on the other allele; however, the association of this alteration with autosomal dominant Noonan syndrome is unlikely.

Pittsburgh Clinical Genomics Laboratory, University of Pittsburgh Medical Center
Classification: Pathogenic for Noonan syndrome 2. Last evaluated: 2022-07-19. Review status: criteria provided, single submitter. Criteria: ACMG Guidelines, 2015. Collection method: clinical testing. Allele origin: germline. Inheritance: Autosomal unknown. Affected: yes.
Comment: This sequence variant is a deletion of 4 nucleotides (delCGCA) from coding nucleotide positions 2348 through 2351 in the LZTR1 gene which results in an early termition codon 5 positions downstream of the frameshift introduced at codon 783. As it occurs in exon 20 of 21, this variant is predicted to generate a non-functiol allele through either the expression of a truncated protein or a loss of LZTR1 expression due to nonsense-mediated decay. This is a previously reported variant (ClinVar) which has been observed in the literature in multiple family members with schwannomatosis (PMID: 24362817). This variant is absent from the gnomAD control population dataset (0/~250000 alleles). Based on the available evidence, we consider this variant to be pathogenic. ACMG Criteria: PM2, PP1, PVS1

OMIM
Classification: Pathogenic for SCHWANNOMATOSIS 2. Last evaluated: 2014-02-01. Review status: no assertion criteria provided. Collection method: literature only. Allele origin: unknown. Not counted in ClinVar's aggregate classification.

Literature cited by the submitters: PubMed 24362817 (cited by 4 submitters); PubMed 29469822 (cited by Labcorp Genetics (formerly Invitae), Labcorp); PubMed 30732632 (cited by Labcorp Genetics (formerly Invitae), Labcorp); PubMed 31219622 (cited by Labcorp Genetics (formerly Invitae), Labcorp); PubMed 23999291 (cited by Ambry Genetics).